The following is an entry in ClinVar:

NM_001191016.3(CASP12):c.373C>T (p.Arg125Ter)

Gene: CASP12 (caspase 12 (gene/pseudogene); minus strand). Cytogenetic location: 11q22.3.
Variant type: single nucleotide variant.
Coding change: c.373C>T on transcript NM_001191016.3 (MANE Select); coding-DNA position 373, C replaced by T.
Protein change: p.Arg125Ter; replaces arginine 125 with a stop codon.
Molecular consequence: nonsense.
Genome position: GRCh38 VCF-style: chr11-104892390-A-A. GRCh37 (hg19) VCF-style: chr11-104763117-G-A.
Identifiers: ClinVar variation 2171 (VCV000002171.9), dbSNP rs497116.

ClinVar aggregate classification (germline): Likely benign. Review status: criteria provided, multiple submitters, no conflicts (2 of 4 stars). 3 submissions from 3 submitters: Likely benign (2). 1 of the submissions does not count toward it. Last evaluated 2016-03-28.

Conditions:
CASP12-related disorder. Also called: CASP12-related condition.

Allele frequency attached by ClinVar (database versions not stated): 1000 Genomes Project 30x 0.94472; gnomAD 0.95874 and 0.95649; gnomAD exomes 0.99514; TOPMed 0.95425.

Submissions (7):

Laboratory for Molecular Medicine, Mass General Brigham Personalized Medicine
Classification: Likely benign. Last evaluated: 2016-03-28. Review status: criteria provided, single submitter. Criteria: LMM Criteria. Collection method: clinical testing. Allele origin: germline.
Comment: Variant identified in a genome or exome case(s) and assessed due to predicted null impact of the variant or pathogenic assertions in the literature or databases. Disclaimer: This variant has not undergone full assessment. The following are preliminary notes: Frequency in 1000Genomes: 2091/2178=96.0%

Breakthrough Genomics
Classification: Likely benign. Review status: criteria provided, single submitter. Criteria: ACMG Guidelines, 2015. Collection method: not provided. Allele origin: germline. Inheritance: Unknown mechanism. Affected: yes.

PreventionGenetics, part of Exact Sciences
Classification: Benign for CASP12-related condition. Last evaluated: 2019-11-06. Review status: no assertion criteria provided. Collection method: clinical testing. Allele origin: germline. Not counted in ClinVar's aggregate classification.
Comment: This variant is classified as benign based on ACMG/AMP sequence variant interpretation guidelines (Richards et al. 2015 PMID: 25741868, with internal and published modifications).

Dr. Peter K. Rogan Lab, Western University
No classification provided (evidence only). Condition: Lung cancer. Review status: no classification provided. Collection method: in vitro. Allele origin: not applicable. Functional consequence: retained intron. Not counted in ClinVar's aggregate classification.

Dr. Peter K. Rogan Lab, Western University
No classification provided (evidence only). Condition: Lung cancer. Review status: no classification provided. Collection method: in vitro. Allele origin: not applicable. Functional consequence: retained intron. Not counted in ClinVar's aggregate classification.

Dr. Peter K. Rogan Lab, Western University
No classification provided (evidence only). Condition: Lung cancer. Review status: no classification provided. Collection method: in vitro. Allele origin: not applicable. Functional consequence: retained intron. Not counted in ClinVar's aggregate classification.

Dr. Peter K. Rogan Lab, Western University
No classification provided (evidence only). Condition: Uterine carcinosarcoma. Review status: no classification provided. Collection method: in vitro. Allele origin: not applicable. Functional consequence: retained intron. Not counted in ClinVar's aggregate classification.